The following is an entry in ClinVar:

NM_001034850.3(RETREG1):c.459-17dup

Gene: RETREG1 (reticulophagy regulator 1; minus strand). Cytogenetic location: 5p15.1.
Variant type: Duplication.
Coding change: c.459-17dup on transcript NM_001034850.3 (MANE Select); 17 bases into the intron before coding-DNA position 459, one base duplicated (T; older notation c.459-17dupT).
Molecular consequence: intron variant.
Genome position (GRCh38, 1-based): chr5:16,483,489, A duplicated on the plus strand (T on the coding strand, the reverse complement: RETREG1 is on the minus strand); the first of 8 consecutive A bases (chr5:16,483,489-16,483,496); duplicating any one gives the same sequence. VCF-style (leftmost placement, unchanged base first): chr5-16483488-G-GA. GRCh37 (hg19) VCF-style: chr5-16483597-G-GA.
Other names: c.36-17dup (NM_019000.5); c.459-17dupT (NM_001034850.2).
Identifiers: ClinVar variation 514967 (VCV000514967.8), dbSNP rs754407335, ClinGen allele CA3210430.
Genomic context (GRCh38, chr5:16,483,488, plus strand): 5'-CTGAGCCTGGGTCTTTCATCTGGTTTGGAATTGATAACTTCCCAGCTAAAGAGACAAAAA[G>GA]AAAAAAAATACTACTGAACTTTGGATGATTCATTCAACATTTATGGCTTTGGCAAATATT-3'

ClinVar aggregate classification (germline): Benign/Likely benign. Review status: criteria provided, multiple submitters, no conflicts (2 of 4 stars). 2 submissions from 2 submitters: Benign (1); Likely benign (1). Last evaluated 2025-07-21.

Submissions (2):

Labcorp Genetics (formerly Invitae), Labcorp
Classification: Benign. Last evaluated: 2025-07-21. Review status: criteria provided, single submitter. Criteria: Invitae Variant Classification Sherloc (09022015). Collection method: clinical testing. Allele origin: germline.

GeneDx
Classification: Likely benign. Last evaluated: 2018-01-29. Review status: criteria provided, single submitter. Criteria: GeneDx Variant Classification (06012015). Collection method: clinical testing. Allele origin: germline. Affected: yes.
Comment: This variant is considered likely benign or benign based on one or more of the following criteria: it is a conservative change, it occurs at a poorly conserved position in the protein, it is predicted to be benign by multiple in silico algorithms, and/or has population frequency not consistent with disease.